The following is an entry in ClinVar:

NM_001193315.2(VIPAS39):c.-1+193T>G

Gene: VIPAS39 (VPS33B interacting protein, apical-basolateral polarity regulator, spe-39 homolog; minus strand). Cytogenetic location: 14q24.3.
Variant type: single nucleotide variant.
Coding change: c.-1+193T>G on transcript NM_001193315.2 (MANE Select); 193 bases into the intron after 1 bases upstream of the start codon, T replaced by G.
Molecular consequence: intron variant. On other transcripts: 5 prime UTR variant (8).
Genome position (GRCh38, 1-based): chr14:77,457,302, A>C on the plus strand (T>G on the coding strand, the complement: VIPAS39 is on the minus strand). VCF-style: chr14-77457302-A-C. GRCh37 (hg19) VCF-style: chr14-77923645-A-C.
Other names: c.-208T>G (NM_001193314.2, NM_001400324.1, NM_001400325.1 and 5 more transcripts); c.-1+193T>G (NM_001400337.1, NM_001193316.2, NM_001400333.1 and 6 more transcripts); c.-1+16T>G (NM_001193317.2).
Identifiers: ClinVar variation 3366443 (VCV003366443.1).

ClinVar aggregate classification (germline): Uncertain significance (1 of 4 stars; one submission).

gnomAD v4.1: 6 of 1,535,682 alleles (0.00039%); highest among the groups gnomAD compares: Middle Eastern, 0.017%; no homozygotes.

Submission:

Women's Health and Genetics/Laboratory Corporation of America, LabCorp
Classification: Uncertain significance. Last evaluated: 2024-08-07. Review status: criteria provided, single submitter. Criteria: LabCorp Variant Classification Summary - May 2015. Collection method: clinical testing. Allele origin: germline.
Comment: Variant summary: VIPAS39 c.-208T>G is located in the untranslated mRNA region upstream of the initiation codon. The variant was absent in 130656 control chromosomes (gnomAD). The available data on variant occurrences in the general population are insufficient to allow any conclusion about variant significance. To our knowledge, no occurrence of c.-208T>G in individuals affected with Arthrogryposis, Renal Dysfunction, And Cholestasis 2 and no experimental evidence demonstrating its impact on protein function have been reported. No submitters have cited clinical-significance assessments for this variant to ClinVar. Based on the evidence outlined above, the variant was classified as uncertain significance.